The following is an entry in ClinVar:

ClinVar aggregate classification (germline): Likely benign. Review status: criteria provided, multiple submitters, no conflicts (2 of 4 stars). 4 submissions from 4 submitters: Likely benign (4). Last evaluated 2026-01-26.

Allele frequency attached by ClinVar (database versions not stated): gnomAD 0.00200 and 0.00207; TOPMed 0.00214; 1000 Genomes Project 30x 0.00312.
gnomAD v4.1: 401 of 1,042,364 alleles (0.038%); highest among the groups gnomAD compares: African/African-American, 0.62%; 2 homozygotes.

Submissions (4):

Labcorp Genetics (formerly Invitae), Labcorp
Classification: Likely benign. Last evaluated: 2026-01-26. Review status: criteria provided, single submitter. Criteria: Invitae Variant Classification Sherloc (09022015). Collection method: clinical testing. Allele origin: germline.

Blueprint Genetics
Classification: Likely benign. Last evaluated: 2024-10-18. Review status: criteria provided, single submitter. Criteria: ACMG Guidelines, 2015. Collection method: clinical testing. Allele origin: germline.

CeGaT Center for Human Genetics Tuebingen
Classification: Likely benign. Last evaluated: 2024-07-01. Review status: criteria provided, single submitter. Criteria: CeGaT Center For Human Genetics Tuebingen Variant Classification Criteria Version 2. Collection method: clinical testing. Allele origin: germline. Affected: yes. Observed: 1 variant allele.
Comment: GRIN2D: BP4, BP7, BS1

Breakthrough Genomics
Classification: Likely benign. Review status: criteria provided, single submitter. Criteria: ACMG Guidelines, 2015. Collection method: not provided. Allele origin: germline. Inheritance: Autosomal dominant inheritance. Affected: yes.

NM_000836.4(GRIN2D):c.3246G>C (p.Thr1082=)

Gene: GRIN2D (glutamate ionotropic receptor NMDA type subunit 2D; plus strand). Cytogenetic location: 19q13.33.
Variant type: single nucleotide variant.
Coding change: c.3246G>C on transcript NM_000836.4 (MANE Select); coding-DNA position 3246, G replaced by C.
Protein change: p.Thr1082=; no amino-acid change (threonine 1082 retained).
Molecular consequence: synonymous variant.
Genome position (GRCh38, 1-based): chr19:48,443,172, G>C. VCF-style: chr19-48443172-G-C. GRCh37 (hg19) VCF-style: chr19-48946429-G-C.
Identifiers: ClinVar variation 711753 (VCV000711753.30), dbSNP rs917605243, ClinGen allele CA309299081.